The following is an entry in ClinVar:

ClinVar aggregate classification (germline): Pathogenic. Review status: criteria provided, multiple submitters, no conflicts (2 of 4 stars). 3 submissions from 3 submitters: Pathogenic (2). 1 of the submissions does not count toward it. Last evaluated 2023-09-26.

Conditions:
Intellectual developmental disorder, autosomal dominant 53. Also called: MENTAL RETARDATION, AUTOSOMAL DOMINANT 53; Intellectual disability, autosomal dominant 53. Identifiers: MedGen C4540481, MONDO:0030919, OMIM 617798.
Intellectual disability. Also called: Intellectual functioning disability; intellectual disabilities; Intellectual developmental disorder. Identifiers: MedGen C3714756, MeSH D008607, MONDO:0001071, HP:0001249.

Submissions (3):

GeneDx
Classification: Pathogenic. Last evaluated: 2023-09-26. Review status: criteria provided, single submitter. Criteria: GeneDx Variant Classification Process June 2021. Collection method: clinical testing. Allele origin: germline. Affected: yes.
Comment: Not observed at significant frequency in large population cohorts (gnomAD); Published functional studies demonstrate that this variant facilitates aberrant Ca2+/CaM-dependent activation of CaMKII leading to neuronal dysregulation (Fujii et al., 2022); In silico analysis supports that this missense variant has a deleterious effect on protein structure/function; This variant is associated with the following publications: (PMID: 29100089, 32600977, 35982159, 35982160, 35043465, 33774142, 36028527, 36117912, 37510258)

Victorian Clinical Genetics Services, Murdoch Childrens Research Institute
Classification: Pathogenic for Intellectual developmental disorder, autosomal dominant 53. Last evaluated: 2022-02-02. Review status: criteria provided, single submitter. Criteria: ACMG Guidelines, 2015. Collection method: clinical testing. Allele origin: germline. Inheritance: Autosomal dominant inheritance. Affected: yes.
Comment: Based on the classification scheme VCGS_Germline_v1.3.4, this variant is classified as Pathogenic. Following criteria are met: 0103 - Dominant negative, loss of function and gain of function are known mechanisms of disease in this gene and are associated with CAMK2A-related intellectual disability. Missense variants have been shown to either impair or enhance autophosphorylation, or result in reduced protein expression (PMID: 28130356, 29784083, 29560374). (I) 0107 - This gene is associated with autosomal dominant disease. However, an isolated example of a family with autosomal recessive CAMK2A-related intellectual disability has been reported (PMID: 29784083). (I) 0200 - Variant is predicted to result in a missense amino acid change from proline to leucine. (I) 0251 - This variant is heterozygous. (I) 0301 - Variant is absent from gnomAD (both v2 and v3). (SP) 0502 - Missense variant with conflicting in silico predictions and uninformative conservation. (I) 0603 - Missense variant in a region that is highly intolerant to missense variation (high constraint region in DECIPHER). (SP) 0704 - Another missense variant comparable to the one identified in this case has limited previous evidence for pathogenicity. An alternative change to a glutamine has been reported once as de novo in an individual with intellectual disability (PMID: 29560374). (SP) 0801 - This variant has strong previous evidence of pathogenicity in unrelated individuals. This variant has been reported as pathogenic and de novo in three individuals with intellectual disability (ClinVar, PMID: 29100089). (SP) 0905 - No published segregation evidence has been identified for this variant. (SP) Legend: (SP) - Supporting pathogenic, (I) - Information, (SB) - Supporting benign

Laboratory of Molecular Genetics (Pr. Bezieau's lab), CHU de Nantes
Classification: Pathogenic for Intellectual disability. Last evaluated: 2017-07-03. Review status: no assertion criteria provided. Collection method: research. Allele origin: de novo. Affected: yes. Observed: 3 variant alleles. Clinical features observed: Global developmental delay (HP:0001263), Delayed speech and language development (HP:0000750), Delayed gross motor development (HP:0002194), Muscular hypotonia (HP:0001252), Seizures (HP:0001250), Growth abnormality (HP:0001507), Abnormality of the face (HP:0000271), Macrocephaly (HP:0000256), Abnormal emotion/affect behavior (HP:0100851), Abnormality of the genitourinary system (HP:0000119). Not counted in ClinVar's aggregate classification.

Literature cited by the submitters: PubMed 28130356 (cited by Victorian Clinical Genetics Services, Murdoch Childrens Research Institute); PubMed 29100089 (cited by Victorian Clinical Genetics Services, Murdoch Childrens Research Institute and Laboratory of Molecular Genetics (Pr. Bezieau's lab), CHU de Nantes); PubMed 29560374 (cited by Victorian Clinical Genetics Services, Murdoch Childrens Research Institute); PubMed 29784083 (cited by Victorian Clinical Genetics Services, Murdoch Childrens Research Institute).

NM_015981.4(CAMK2A):c.635C>T (p.Pro212Leu)

Gene: CAMK2A (calcium/calmodulin dependent protein kinase II alpha; minus strand). Cytogenetic location: 5q32.
Variant type: single nucleotide variant.
Coding change: c.635C>T on transcript NM_015981.4 (MANE Select); coding-DNA position 635, C replaced by T.
Protein change: p.Pro212Leu; replaces proline 212 with leucine.
Molecular consequence: missense variant.
Genome position (GRCh38, 1-based): chr5:150,251,808, G>A on the plus strand (C>T on the coding strand, the complement: CAMK2A is on the minus strand). VCF-style: chr5-150251808-G-A. GRCh37 (hg19) VCF-style: chr5-149631371-G-A.
Other names: c.635C>T, p.Pro212Leu (NM_001363989.1, NM_001363990.1, NM_001369025.2 and 1 more transcripts); short protein forms P212L.
Identifiers: ClinVar variation 430916 (VCV000430916.9), dbSNP rs926027867, ClinGen allele CA129150428.